The following is an entry in ClinVar:

ClinVar aggregate classification (germline): Pathogenic. Review status: criteria provided, single submitter (1 of 4 stars). 2 submissions from 2 submitters: Pathogenic (1). 1 of the submissions does not count toward it. Last evaluated 2021-12-25.

Conditions:
GM1 gangliosidosis type 3. Also called: GANGLIOSIDOSIS, GENERALIZED GM1, ADULT TYPE; GANGLIOSIDOSIS, GENERALIZED GM1, CHRONIC TYPE; GANGLIOSIDOSIS, GENERALIZED GM1, TYPE III; GM1-GANGLIOSIDOSIS, TYPE III; Beta-galactosidase deficiency; Adult GM1 gangliosidosis. Identifiers: Orphanet 79257, MedGen C0268273, MONDO:0009262, OMIM 230650.
GM1 gangliosidosis type 2. Also called: GANGLIOSIDOSIS, GENERALIZED GM1, JUVENILE TYPE; GANGLIOSIDOSIS, GENERALIZED GM1, TYPE II; GM1-GANGLIOSIDOSIS, TYPE II; Juvenile GM>1< gangliosidosis; Gangliosidosis, Generalized GM1, Type 2. Identifiers: Orphanet 354, Orphanet 79256, MedGen C0268272, MONDO:0009261, OMIM 230600.
Infantile GM1 gangliosidosis. Also called: GM1 gangliosidosis type 1; GM1-gangliosidosis, type I; Gangliosidosis, generalized GM1, infantile form; GLB1 deficiency; Gangliosidosis, Generalized GM1, Type 1. Identifiers: Orphanet 354, Orphanet 79255, MedGen C0268271, MONDO:0009260, OMIM 230500.
Mucopolysaccharidosis, MPS-IV-B (MPS4B). Also called: Mucopolysaccharidosis type 4B; Mucopolysaccharidosis Type IVB (Morquio B Disease); MORQUIO SYNDROME B; Mucopolysaccharidosis type IVB (Morquio); MPS IVB; Mucopolysaccharidosis type IV B. Identifiers: Orphanet 309310, Orphanet 582, MedGen C0086652, MONDO:0009660, OMIM 253010.
GM1 gangliosidosis. Identifiers: Orphanet 354, MedGen C0085131, MONDO:0018149.

Allele frequency attached by ClinVar (database versions not stated): TOPMed 0.00002.
gnomAD v4.1: 3 of 1,613,090 alleles (0.00019%); highest among the groups gnomAD compares: Non-Finnish European, 0.00017%; no homozygotes.

Submissions (2):

Labcorp Genetics (formerly Invitae), Labcorp
Classification: Pathogenic for Mucopolysaccharidosis, MPS-IV-B; GM1 gangliosidosis. Last evaluated: 2021-12-25. Review status: criteria provided, single submitter. Criteria: Invitae Variant Classification Sherloc (09022015). Collection method: clinical testing. Allele origin: germline.
Comment: For these reasons, this variant has been classified as Pathogenic. Algorithms developed to predict the effect of sequence changes on RNA splicing suggest that this variant may disrupt the consensus splice site. ClinVar contains an entry for this variant (Variation ID: 554728). Disruption of this splice site has been observed in individuals with GM1-gangliosidosis (PMID: 15365997, 16941474, 17221873). This variant is not present in population databases (gnomAD no frequency). This sequence change affects a donor splice site in intron 2 of the GLB1 gene. It is expected to disrupt RNA splicing. Variants that disrupt the donor or acceptor splice site typically lead to a loss of protein function (PMID: 16199547), and loss-of-function variants in GLB1 are known to be pathogenic (PMID: 18524657).

Counsyl
Classification: Likely pathogenic for Infantile GM1 gangliosidosis; GM1 gangliosidosis type 2; GM1 gangliosidosis type 3; Mucopolysaccharidosis, MPS-IV-B. Last evaluated: 2017-11-02. Review status: no assertion criteria provided. Collection method: clinical testing. Allele origin: unknown. Not counted in ClinVar's aggregate classification.

Literature cited by the submitters: PubMed 15365997 (cited by Labcorp Genetics (formerly Invitae), Labcorp); PubMed 16941474 (cited by Labcorp Genetics (formerly Invitae), Labcorp); PubMed 17221873 (cited by Labcorp Genetics (formerly Invitae), Labcorp); PubMed 16199547 (cited by Labcorp Genetics (formerly Invitae), Labcorp); PubMed 18524657 (cited by Labcorp Genetics (formerly Invitae), Labcorp).

NM_000404.4(GLB1):c.245+1G>C

Gene: GLB1 (galactosidase beta 1; minus strand). Cytogenetic location: 3p22.3.
Variant type: single nucleotide variant.
Coding change: c.245+1G>C on transcript NM_000404.4 (MANE Select); the canonical splice donor site of the intron after coding-DNA position 245, G replaced by C.
Molecular consequence: splice donor variant.
Genome position (GRCh38, 1-based): chr3:33,072,543, C>G on the plus strand (G>C on the coding strand, the complement: GLB1 is on the minus strand). VCF-style: chr3-33072543-C-G. GRCh37 (hg19) VCF-style: chr3-33114035-C-G.
Other names: c.245+1G>C (NM_001393580.1, NM_001135602.3); c.389+1G>C (NM_001317040.2); c.155+1G>C (NM_001079811.3).
Identifiers: ClinVar variation 554728 (VCV000554728.7), dbSNP rs778423653, ClinGen allele CA72673151.